The following is an entry in ClinVar:

ClinVar aggregate classification (germline): Likely benign (1 of 4 stars; one submission).

Conditions:
Hypertrophic cardiomyopathy. Also called: HYPERTROPHIC MYOCARDIOPATHY. Identifiers: Orphanet 217569, MedGen C0007194, MeSH D002312, MONDO:0005045, HP:0001639.

Submission:

All of Us Research Program, National Institutes of Health
Classification: Likely benign for Hypertrophic cardiomyopathy. Last evaluated: 2023-10-23. Review status: criteria provided, single submitter. Criteria: ACMG Guidelines, 2015. Collection method: clinical testing. Allele origin: germline. Inheritance: Autosomal dominant inheritance. Observed: 1 variant allele, 1 heterozygote.
Comment: This study involves interpretation of variants in research participants for the purpose of population health screening. Participant phenotype was not available at the time of variant classification. Additional details can be found in publication PMID: 35346344, PMCID: PMC8962531

NM_016203.4(PRKAG2):c.417C>T (p.Asn139=)

Gene: PRKAG2 (protein kinase AMP-activated non-catalytic subunit gamma 2; minus strand). Cytogenetic location: 7q36.1.
Variant type: single nucleotide variant.
Coding change: c.417C>T on transcript NM_016203.4 (MANE Select); coding-DNA position 417, C replaced by T.
Protein change: p.Asn139=; no amino-acid change (asparagine 139 retained).
Molecular consequence: synonymous variant. On other transcripts: intron variant (1).
Genome position (GRCh38, 1-based): chr7:151,781,201, G>A on the plus strand (C>T on the coding strand, the complement: PRKAG2 is on the minus strand). VCF-style: chr7-151781201-G-A. GRCh37 (hg19) VCF-style: chr7-151478287-G-A.
Other names: c.285C>T, p.Asn95= (NM_001040633.2, NM_001407024.1, NM_001407026.1 and 2 more transcripts); c.417C>T, p.Asn139= (NM_001407021.1, NM_001407022.1, NM_001407023.1 and 2 more transcripts); c.148+33215C>T (NM_001407032.1).
Identifiers: ClinVar variation 3074147 (VCV003074147.1), dbSNP rs2537921340, ClinGen allele CA458884104.